The following is an entry in ClinVar:

ClinVar aggregate classification (germline): Uncertain significance (1 of 4 stars; one submission).

gnomAD v4.1: 2 of 1,614,142 alleles (0.00012%); highest among the groups gnomAD compares: Non-Finnish European, 0.00017%; no homozygotes.

Submission:

GeneDx
Classification: Uncertain significance. Last evaluated: 2024-06-28. Review status: criteria provided, single submitter. Criteria: GeneDx Variant Classification Process June 2021. Collection method: clinical testing. Allele origin: germline. Affected: yes.
Comment: Not observed at significant frequency in large population cohorts (gnomAD); In silico analysis indicates that this variant does not alter splicing; Has not been previously published as pathogenic or benign to our knowledge

NM_005548.3(KARS1):c.708G>A (p.Leu236=)

Gene: KARS1 (lysyl-tRNA synthetase 1; minus strand). Cytogenetic location: 16q23.1.
Variant type: single nucleotide variant.
Coding change: c.708G>A on transcript NM_005548.3 (MANE Select); coding-DNA position 708, G replaced by A.
Protein change: p.Leu236=; no amino-acid change (leucine 236 retained).
Molecular consequence: synonymous variant.
Genome position (GRCh38, 1-based): chr16:75,635,767, C>T on the plus strand (G>A on the coding strand, the complement: KARS1 is on the minus strand). VCF-style: chr16-75635767-C-T. GRCh37 (hg19) VCF-style: chr16-75669665-C-T.
Other names: c.792G>A, p.Leu264= (NM_001130089.2); c.240G>A, p.Leu80= (NM_001378148.1).
Identifiers: ClinVar variation 3392624 (VCV003392624.1).